The following is an entry in ClinVar:

NM_000292.3(PHKA2):c.3336G>C (p.Glu1112Asp)

Gene: PHKA2 (phosphorylase kinase regulatory subunit alpha 2; minus strand). Cytogenetic location: Xp22.13.
Variant type: single nucleotide variant.
Coding change: c.3336G>C on transcript NM_000292.3 (MANE Select); coding-DNA position 3336, G replaced by C.
Protein change: p.Glu1112Asp; replaces glutamic acid 1112 with aspartic acid.
Molecular consequence: missense variant.
Genome position (GRCh38, 1-based): chrX:18,895,138, C>G on the plus strand (G>C on the coding strand, the complement: PHKA2 is on the minus strand). VCF-style: chrX-18895138-C-G. GRCh37 (hg19) VCF-style: chrX-18913256-C-G.
Other names: short protein forms E1112D.
Identifiers: ClinVar variation 2444190 (VCV002444190.1), dbSNP rs2518525519, ClinGen allele CA412376600.

ClinVar aggregate classification (germline): Uncertain significance (1 of 4 stars; one submission).

Conditions:
Glycogen storage disease IXa1. Also called: LIVER GLYCOGENOSIS, X-LINKED, TYPE I; GLYCOGEN STORAGE DISEASE VIII; GSD VIII; Glycogen storage disease 8. Identifiers: Orphanet 264580, MedGen C3694531, MONDO:0010598, OMIM 306000.

Submission:

3billion
Classification: Uncertain significance for Glycogen storage disease IXa1. Last evaluated: 2023-02-23. Review status: criteria provided, single submitter. Criteria: ACMG Guidelines, 2015. Collection method: clinical testing. Allele origin: unknown. Affected: yes.
Comment: The variant is not observed in the gnomAD v2.1.1 dataset. In silico tool predictions suggest damaging effect of the variant on gene or gene product (REVEL: 0.73; 3Cnet: 0.44). A different missense change at the same codon (p.Glu1112Lys) has been reported to be associated with PHKA2-related disorder (PMID: 31248825). However the evidence of pathogenicity is insufficient at this time. Therefore, this variant is classified as VUS according to the recommendation of ACMG/AMP guideline.

Literature cited by the submitters: PubMed 31248825.